The following is an entry in ClinVar:

NM_000152.5(GAA):c.437del (p.Met146fs)

Gene: GAA (alpha glucosidase; plus strand). Cytogenetic location: 17q25.3.
Variant type: Deletion.
Coding change: c.437del on transcript NM_000152.5 (MANE Select); coding-DNA position 437, one base deleted (T; older notation c.437delT).
Protein change: p.Met146fs; shifts the reading frame from methionine 146.
Molecular consequence: frameshift variant.
Genome position (GRCh38, 1-based): chr17:80,105,023, T deleted. VCF-style (leftmost placement, unchanged base first): chr17-80105022-AT-A. GRCh37 (hg19) VCF-style: chr17-78078821-AT-A.
Other names: NM_000152.5(GAA):c.437del; p.Met146fs; c.437delT (NM_000152.3); c.437del (LRG_673t1); c.437del, p.Met146fs (NM_001079803.3, NM_001079804.3); short protein forms M146fs.
Identifiers: ClinVar variation 554096 (VCV000554096.18), dbSNP rs1555598869, ClinGen allele CA658824775.

ClinVar aggregate classification (germline): Pathogenic. Review status: reviewed by expert panel (3 of 4 stars). 6 submissions from 6 submitters: Pathogenic (1). 5 of the submissions do not count toward it. Last evaluated 2021-08-24.

Conditions:
Glycogen storage disease, type II (IOPD). Also called: POMPE DISEASE, INFANTILE-ONSET; GLYCOGEN STORAGE DISEASE II, INFANTILE-ONSET; ACID ALPHA-GLUCOSIDASE DEFICIENCY, INFANTILE-ONSET; GAA DEFICIENCY, INFANTILE-ONSET; ACID MALTASE DEFICIENCY, INFANTILE-ONSET; CARDIOMEGALIA GLYCOGENICA DIFFUSA. Identifiers: Orphanet 365, MedGen C0017921, MONDO:0009290, OMIM 232300.

Allele frequency attached by ClinVar (database versions not stated): gnomAD exomes 0.00001.

Submissions (6):

ClinGen Lysosomal Storage Disorder Variant Curation Expert Panel
Classification: Pathogenic for Glycogen storage disease, type II. Last evaluated: 2021-08-24. Review status: reviewed by expert panel. Criteria: clingen_lsd_acmg_specifications_v2-1. Collection method: curation. Allele origin: germline. Inheritance: Autosomal recessive inheritance.
Comment: The NM_000152.5:c.437del (p.Met146ArgfsTer7) variant in GAA is a frameshift variant predicted to cause a premature stop codon in biologically relevant exon 2/20 leading to nonsense mediated decay in a gene in which loss-of-function is an established disease mechanism (PVS1). This variant is absent from gnomAD v2.1.1 (PM2_Supporting). The variant was found in compound heterozygosity with a pathogenic variant in two patients who meet the ClinGen LSD VCEP's PP4 specifications; one with c.2237G>A (p.Trp746Ter) (PMID 26693141), and the other with c.2481+102_2646+31del (PMID 22658377)(PP4_Moderate, PM3_Supporting). There is a ClinVar entry for this variant (Variation ID: 554096, 1 star review status) with one submitter classifying the variant as likely pathogenic. In summary, this variant meets the criteria to be classified as pathogenic for Pompe disease. ACMG/AMP criteria applied, as specified by the ClinGen LSD VCEP (specification version 2.0): PVS1, PM2_Supporting, PM3_Supporting, PP4_Moderate.

Genomenon, Inc
Classification: Pathogenic for Glycogen storage disease, type II. Last evaluated: 2026-07-01. Review status: criteria provided, single submitter. Criteria: Genomenon Sequence Variant Interpretation Standards - Updated. Collection method: curation. Allele origin: germline. Affected: yes. Not counted in ClinVar's aggregate classification.
Comment: GAA p.Met146ArgfsTer7 (c.437del) is a frameshift variant that is predicted to introduce a premature termination codon and result in a truncated or absent protein product. This variant has been observed in at least one proband with a GAA-related disorder (PMID:31193175;28814660;22658377). It is absent or not present at a significant frequency in gnomAD. In conclusion, we classify GAA p.Met146ArgfsTer7 (c.437del) as a pathogenic variant.

Labcorp Genetics (formerly Invitae), Labcorp
Classification: Pathogenic for Glycogen storage disease, type II. Last evaluated: 2025-11-03. Review status: criteria provided, single submitter. Criteria: Invitae Variant Classification Sherloc (09022015). Collection method: clinical testing. Allele origin: germline. Not counted in ClinVar's aggregate classification.
Comment: This sequence change creates a premature translational stop signal (p.Met146Argfs*7) in the GAA gene. It is expected to result in an absent or disrupted protein product. Loss-of-function variants in GAA are known to be pathogenic (PMID: 18425781, 22252923). This variant is not present in population databases (gnomAD no frequency). This premature translational stop signal has been observed in individuals with Pompe disease (PMID: 29122469). ClinVar contains an entry for this variant (Variation ID: 554096). Algorithms developed to predict the effect of sequence changes on RNA splicing suggest that this variant may create or strengthen a splice site. For these reasons, this variant has been classified as Pathogenic.

Revvity Omics, Revvity
Classification: Pathogenic. Last evaluated: 2024-03-27. Review status: criteria provided, single submitter. Criteria: ACMG Guidelines, 2015. Collection method: clinical testing. Allele origin: germline. Not counted in ClinVar's aggregate classification.

Baylor Genetics
Classification: Pathogenic for Glycogen storage disease, type II. Last evaluated: 2023-07-04. Review status: criteria provided, single submitter. Criteria: ACMG Guidelines, 2015. Collection method: clinical testing. Allele origin: unknown. Not counted in ClinVar's aggregate classification.

Counsyl
Classification: Likely pathogenic for Glycogen storage disease, type II. Last evaluated: 2017-09-26. Review status: no assertion criteria provided. Collection method: clinical testing. Allele origin: unknown. Not counted in ClinVar's aggregate classification.

Literature cited by the submitters: PubMed 31193175 (cited by Genomenon, Inc); PubMed 28814660 (cited by Genomenon, Inc); PubMed 22658377 (cited by Genomenon, Inc); PubMed 18425781 (cited by Labcorp Genetics (formerly Invitae), Labcorp); PubMed 22252923 (cited by Labcorp Genetics (formerly Invitae), Labcorp); PubMed 29122469 (cited by Labcorp Genetics (formerly Invitae), Labcorp); PubMed 21637107 (cited by Counsyl).